The following is an entry in ClinVar:

NM_015378.4(VPS13D):c.8052C>T (p.Ser2684=)

Gene: VPS13D (vacuolar protein sorting 13 homolog D; plus strand). Cytogenetic location: 1p36.22.
Variant type: single nucleotide variant.
Coding change: c.8052C>T on transcript NM_015378.4 (MANE Select); coding-DNA position 8052, C replaced by T.
Protein change: p.Ser2684=; no amino-acid change (serine 2684 retained).
Molecular consequence: synonymous variant.
Genome position (GRCh38, 1-based): chr1:12,327,709, C>T. VCF-style: chr1-12327709-C-T. GRCh37 (hg19) VCF-style: chr1-12387766-C-T.
Other names: p.Ser2684=; c.8052C>T, p.Ser2684= (NM_018156.4); c.8052C>T (NM_015378.3).
Identifiers: ClinVar variation 2045546 (VCV002045546.7), dbSNP rs28687897, ClinGen allele CA602993.
Genomic context (GRCh38, chr1:12,327,709, plus strand): 5'-CCAATTGAAAAAGGCAGCAAGTTGGTTGTTTAAGAATGCGGAACCTCTGAAGTCTCTTTC[C>T]TTGGCCTCCACCAGCCGAGATAGCCCAGGGGCTGTGGCAGCGCCATTGATCTCTGGCGTG-3'
Protein context (NP_056193.2, residues 2674-2694): FKNAEPLKSL[Ser2684=]LASTSRDSPG

ClinVar aggregate classification (germline): Benign. Review status: criteria provided, multiple submitters, no conflicts (2 of 4 stars). 3 submissions from 3 submitters: Benign (2). 1 of the submissions does not count toward it. Last evaluated 2026-01-05.

Conditions:
VPS13D-related disorder. Also called: VPS13D-related condition.

Allele frequency attached by ClinVar (database versions not stated): gnomAD exomes 0.00057; ExAC 0.00170; 1000 Genomes Project 0.00479; gnomAD 0.00559; 1000 Genomes Project 30x 0.00578; TOPMed 0.00625; ESP Exome Variant Server 0.00692.
gnomAD v4.1: 1,709 of 1,614,092 alleles (0.11%); highest among the groups gnomAD compares: African/African-American, 2%; 17 homozygotes.

Submissions (3):

Labcorp Genetics (formerly Invitae), Labcorp
Classification: Benign. Last evaluated: 2026-01-05. Review status: criteria provided, single submitter. Criteria: Invitae Variant Classification Sherloc (09022015). Collection method: clinical testing. Allele origin: germline.

Mayo Clinic Laboratories, Mayo Clinic
Classification: Benign. Last evaluated: 2023-02-23. Review status: criteria provided, single submitter. Criteria: ACMG Guidelines, 2015. Collection method: clinical testing. Allele origin: germline. Observed: 5 variant alleles.
Comment: BS1, BS2

PreventionGenetics, part of Exact Sciences
Classification: Benign for VPS13D-related condition. Last evaluated: 2019-04-25. Review status: no assertion criteria provided. Collection method: clinical testing. Allele origin: germline. Not counted in ClinVar's aggregate classification.
Comment: This variant is classified as benign based on ACMG/AMP sequence variant interpretation guidelines (Richards et al. 2015 PMID: 25741868, with internal and published modifications).